The following is an entry in ClinVar:

NM_001267550.2(TTN):c.103288G>T (p.Asp34430Tyr)

Genes: TTN (titin; minus strand), TTN-AS1 (TTN antisense RNA 1; plus strand). Cytogenetic location: 2q31.2.
Variant type: single nucleotide variant.
Coding change: c.103288G>T on transcript NM_001267550.2 (MANE Select); coding-DNA position 103288, G replaced by T.
Protein change: p.Asp34430Tyr; replaces aspartic acid 34430 with tyrosine.
Molecular consequence: missense variant.
Genome position (GRCh38, 1-based): chr2:178,533,327, C>A on the plus strand (G>T on the coding strand, the complement: TTN is on the minus strand). VCF-style: chr2-178533327-C-A. GRCh37 (hg19) VCF-style: chr2-179398054-C-A.
Other names: c.76093G>T, p.Asp25365Tyr (NM_003319.4); c.95584G>T, p.Asp31862Tyr (NM_133378.4); c.76468G>T, p.Asp25490Tyr (NM_133432.3); c.76669G>T, p.Asp25557Tyr (NM_133437.4); c.98365G>T, p.Asp32789Tyr (NM_001256850.1); short protein forms D25365Y, D25490Y, D25557Y, D31862Y, D32789Y, D34430Y.
Identifiers: ClinVar variation 1064205 (VCV001064205.6), dbSNP rs751794473, ClinGen allele CA1985629.

ClinVar aggregate classification (germline): Uncertain significance (1 of 4 stars; one submission).

Conditions:
Dilated cardiomyopathy 1G (CMD1G). Identifiers: Orphanet 154, MedGen C1858763, MONDO:0011400, OMIM 604145.
Autosomal recessive limb-girdle muscular dystrophy type 2J (LGMDR10). Also called: Limb-girdle muscular dystrophy, type 2J; MUSCULAR DYSTROPHY, LIMB-GIRDLE, AUTOSOMAL RECESSIVE 10. Identifiers: Orphanet 140922, MedGen C1837342, MONDO:0012127, OMIM 608807.

Allele frequency attached by ClinVar (database versions not stated): ExAC 0.00001; gnomAD exomes 0.00001; TOPMed 0.00001.
gnomAD v4.1: 5 of 1,613,808 alleles (0.00031%); highest among the groups gnomAD compares: Non-Finnish European, 0.00042%; no homozygotes.

Submission:

Labcorp Genetics (formerly Invitae), Labcorp
Classification: Uncertain significance for Dilated cardiomyopathy 1G; Autosomal recessive limb-girdle muscular dystrophy type 2J. Last evaluated: 2025-08-21. Review status: criteria provided, single submitter. Criteria: Invitae Variant Classification Sherloc (09022015). Collection method: clinical testing. Allele origin: germline.
Comment: This sequence change replaces aspartic acid, which is acidic and polar, with tyrosine, which is neutral and polar, at codon 34430 of the TTN protein (p.Asp34430Tyr). This variant is present in population databases (rs751794473, gnomAD 0.002%). This variant has not been reported in the literature in individuals affected with TTN-related conditions. ClinVar contains an entry for this variant (Variation ID: 1064205). Experimental studies and prediction algorithms are not available or were not evaluated, and the functional significance of this variant is currently unknown. This variant is located in the M band of TTN (PMID: 25589632). Non-truncating variants in this region may be relevant for neuromuscular disorders, but have not been definitively shown to cause cardiomyopathy (PMID: 23975875). In summary, the available evidence is currently insufficient to determine the role of this variant in disease. Therefore, it has been classified as a Variant of Uncertain Significance.

Literature cited by the submitters: PubMed 25589632; PubMed 23975875.